The following is an entry in ClinVar:

ClinVar aggregate classification (germline): Likely benign. Review status: criteria provided, multiple submitters, no conflicts (2 of 4 stars). 3 submissions from 3 submitters: Likely benign (3). Last evaluated 2025-11-24.

Conditions:
Cardiovascular phenotype. Identifiers: MedGen CN230736.
X-linked Emery-Dreifuss muscular dystrophy. Also called: Muscular dystrophy, tardive Emery-Dreifuss type, with contractures. Identifiers: Orphanet 261, Orphanet 98863, MedGen C0751337, MONDO:0010680.

Allele frequency attached by ClinVar (database versions not stated): gnomAD exomes 0.00001 and 0.00003; TOPMed 0.00001; ExAC 0.00002; gnomAD 0.00002.
gnomAD v4.1: 15 of 1,210,145 alleles (0.0012%); highest among the groups gnomAD compares: South Asian, 0.012%; no homozygotes.

Submissions (3):

Labcorp Genetics (formerly Invitae), Labcorp
Classification: Likely benign for X-linked Emery-Dreifuss muscular dystrophy. Last evaluated: 2025-11-24. Review status: criteria provided, single submitter. Criteria: Invitae Variant Classification Sherloc (09022015). Collection method: clinical testing. Allele origin: germline.

Ambry Genetics
Classification: Likely benign for Cardiovascular phenotype. Last evaluated: 2025-09-21. Review status: criteria provided, single submitter. Criteria: Ambry Variant Classification Scheme 2023. Collection method: clinical testing. Allele origin: germline.

GeneDx
Classification: Likely benign. Last evaluated: 2016-10-10. Review status: criteria provided, single submitter. Criteria: GeneDx Variant Classification (06012015). Collection method: clinical testing. Allele origin: germline. Affected: yes.
Comment: This variant is considered likely benign or benign based on one or more of the following criteria: it is a conservative change, it occurs at a poorly conserved position in the protein, it is predicted to be benign by multiple in silico algorithms, and/or has population frequency not consistent with disease.

NM_000117.3(EMD):c.333C>T (p.Ala111=)

Gene: EMD (emerin; plus strand). Cytogenetic location: Xq28.
Variant type: single nucleotide variant.
Coding change: c.333C>T on transcript NM_000117.3 (MANE Select); coding-DNA position 333, C replaced by T.
Protein change: p.Ala111=; no amino-acid change (alanine 111 retained).
Molecular consequence: synonymous variant.
Genome position (GRCh38, 1-based): chrX:154,380,301, C>T. VCF-style: chrX-154380301-C-T. GRCh37 (hg19) VCF-style: chrX-153608661-C-T.
Identifiers: ClinVar variation 389820 (VCV000389820.11), dbSNP rs782216150, ClinGen allele CA10561575.